The following is an entry in ClinVar:

NM_001122659.3(EDNRB):c.87_88dup (p.Gly30fs)

Gene: EDNRB (endothelin receptor type B; minus strand). Cytogenetic location: 13q22.3.
Variant type: Microsatellite.
Coding change: c.87_88dup on transcript NM_001122659.3 (MANE Select); coding-DNA positions 87 to 88, 2 bases duplicated (AG; older notation c.87_88dupAG).
Protein change: p.Gly30fs; shifts the reading frame from glycine 30.
Molecular consequence: frameshift variant.
Genome position (GRCh38, 1-based): chr13:77,918,486-77,918,487, CT duplicated on the plus strand (AG on the coding strand, the reverse complement: EDNRB is on the minus strand); duplicating any 2 consecutive bases within chr13:77,918,486-77,918,492 gives the same sequence; the c. name uses the placement nearest the transcript's 3' end. VCF-style (leftmost placement, unchanged base first): chr13-77918485-C-CCT. GRCh37 (hg19) VCF-style: chr13-78492620-C-CCT.
Other names: c.87_88dup, p.Gly30fs (NM_000115.5, NM_003991.4); c.352_353GA[4], p.Gly120Glufs (NM_001201397.2); short protein forms G30fs, G120fs.
Identifiers: ClinVar variation 3087209 (VCV003087209.2), dbSNP rs2501610771, ClinGen allele CA2825002205.

ClinVar aggregate classification (germline): Likely pathogenic. Review status: criteria provided, multiple submitters, no conflicts (2 of 4 stars). 2 submissions from 2 submitters: Likely pathogenic (2). Last evaluated 2024-05-30.

Conditions:
Inborn genetic diseases. Identifiers: MedGen C0950123, MeSH D030342.
EDNRB-related disorder. Also called: EDNRB-related condition; EDNRB-related disorders.

Submissions (2):

Blueprint Genetics
Classification: Likely pathogenic for EDNRB-related disorders. Last evaluated: 2024-05-30. Review status: criteria provided, single submitter. Criteria: ACMG Guidelines, 2015. Collection method: clinical testing. Allele origin: germline. Affected: yes. Observed: 2 variant alleles.

Ambry Genetics
Classification: Likely pathogenic for Inborn genetic diseases. Last evaluated: 2023-12-29. Review status: criteria provided, single submitter. Criteria: Ambry Variant Classification Scheme 2023. Collection method: clinical testing. Allele origin: germline.
Comment: The c.87_88dupAG (p.G30Efs*17) alteration, located in exon 2 (coding exon 1) of the EDNRB gene, consists of a duplication of AG at position 87, causing a translational frameshift with a predicted alternate stop codon after 17 amino acids. The predicted stop codon occurs in the 5' end of the EDNRB gene. Premature termination codons in the 5&rsquo; end of a gene have been reported to escape nonsense-mediated mRNA decay and/or lead to re-initiation (Rivas, 2015; Lindeboom, 2016; Rhee, 2017). Direct evidence for this alteration is unavailable; however, premature termination codons are typically deleterious in nature. This variant was not reported in population-based cohorts in the Genome Aggregation Database (gnomAD). Based on the available evidence, this alteration is classified as likely pathogenic.

Literature cited by the submitters: PubMed 25954003 (cited by Ambry Genetics); PubMed 27618451 (cited by Ambry Genetics); PubMed 28490743 (cited by Ambry Genetics).